The following is an entry in ClinVar:

NM_001323289.2(CDKL5):c.405T>C (p.Asp135=)

Gene: CDKL5 (cyclin dependent kinase like 5; plus strand). Cytogenetic location: Xp22.13.
Variant type: single nucleotide variant.
Coding change: c.405T>C on transcript NM_001323289.2 (MANE Select); coding-DNA position 405, T replaced by C.
Protein change: p.Asp135=; no amino-acid change (aspartic acid 135 retained).
Molecular consequence: synonymous variant.
Genome position (GRCh38, 1-based): chrX:18,581,892, T>C. VCF-style: chrX-18581892-T-C. GRCh37 (hg19) VCF-style: chrX-18600012-T-C.
Other names: NM_001323289.2(CDKL5):c.405T>C; p.Asp135=; c.405T>C, p.Asp135= (NM_001037343.2, NM_003159.3).
Identifiers: ClinVar variation 189538 (VCV000189538.3), dbSNP rs786204957, ClinGen allele CA199347.

ClinVar aggregate classification (germline): Likely benign. Review status: criteria provided, single submitter (1 of 4 stars). 2 submissions from 2 submitters: Likely benign (1). 1 of the submissions does not count toward it. Last evaluated 2024-07-17.

Conditions:
CDKL5 disorder. Identifiers: MedGen CN296942, MONDO:0100039.

Submissions (2):

Centre for Population Genomics, CPG
Classification: Likely benign for CDKL5 disorder. Last evaluated: 2024-07-17. Review status: criteria provided, single submitter. Criteria: McKnight et al. (Hum Mutat. 2022). Collection method: curation. Allele origin: germline. Inheritance: X-linked inheritance.
Comment: This variant has been collected from RettBASE and curated to current modified ACMG/AMP criteria. Based on the classification scheme defined by the ClinGen Rett/Angelman-like Expert Panel for Rett/AS-like Disorders Specifications to the ACMG/AMP Variant Interpretation Guidelines VCEP 3.0, this variant is classified as likely benign. At least the following criteria are met: The variant is observed in at least 1 individual with no features of CDKL5 disorder (BS2_Supporting, PMID: 23064044). The computational splicing predictor SpliceAI does not support significant splicing alteration (score of <=0.1) (BP4).

RettBASE
Classification: Benign. Last evaluated: 2014-05-09. Review status: no assertion criteria provided. Collection method: curation. Allele origin: paternal, unknown. Observed: 2 variant alleles. Not counted in ClinVar's aggregate classification.
Comment: Silent mutation, little predicted effect on splicing.

Literature cited by the submitters: PubMed 23064044 (cited by RettBASE).